The following is an entry in ClinVar:

ClinVar aggregate classification (germline): Uncertain significance (1 of 4 stars; one submission).

Conditions:
Hypertrophic cardiomyopathy 19. Also called: Familial hypertrophic cardiomyopathy 19. Identifiers: MedGen CN077603, MONDO:0013476.

Submission:

Labcorp Genetics (formerly Invitae), Labcorp
Classification: Uncertain significance for Hypertrophic cardiomyopathy 19. Last evaluated: 2024-09-17. Review status: criteria provided, single submitter. Criteria: Invitae Variant Classification Sherloc (09022015). Collection method: clinical testing. Allele origin: germline.
Comment: This sequence change replaces glutamic acid, which is acidic and polar, with aspartic acid, which is acidic and polar, at codon 197 of the CALR3 protein (p.Glu197Asp). This variant is present in population databases (no rsID available, gnomAD 0.008%). This variant has not been reported in the literature in individuals affected with CALR3-related conditions. Invitae Evidence Modeling of protein sequence and biophysical properties (such as structural, functional, and spatial information, amino acid conservation, physicochemical variation, residue mobility, and thermodynamic stability) indicates that this missense variant is not expected to disrupt CALR3 protein function with a negative predictive value of 80%. In summary, the available evidence is currently insufficient to determine the role of this variant in disease. Therefore, it has been classified as a Variant of Uncertain Significance.

NM_145046.5(CALR3):c.591G>C (p.Glu197Asp)

Gene: CALR3 (calreticulin 3; minus strand). Cytogenetic location: 19p13.11.
Variant type: single nucleotide variant.
Coding change: c.591G>C on transcript NM_145046.5 (MANE Select); coding-DNA position 591, G replaced by C.
Protein change: p.Glu197Asp; replaces glutamic acid 197 with aspartic acid.
Molecular consequence: missense variant.
Genome position (GRCh38, 1-based): chr19:16,484,017, C>G on the plus strand (G>C on the coding strand, the complement: CALR3 is on the minus strand). VCF-style: chr19-16484017-C-G. GRCh37 (hg19) VCF-style: chr19-16594828-C-G.
Other names: short protein forms E197D.
Identifiers: ClinVar variation 3704822 (VCV003704822.2).